The following is an entry in ClinVar:

ClinVar aggregate classification (germline): Uncertain significance (1 of 4 stars; one submission).

gnomAD v4.1: 3 of 1,613,876 alleles (0.00019%); highest among the groups gnomAD compares: African/African-American, 0.0013%; no homozygotes.

Submission:

GeneDx
Classification: Uncertain significance. Last evaluated: 2026-02-02. Review status: criteria provided, single submitter. Criteria: GeneDx Variant Classification Process June 2021. Collection method: clinical testing. Allele origin: germline.
Comment: Not observed at significant frequency in large population cohorts (gnomAD); Missense variant in a gene in which most reported pathogenic variants are truncating/loss of function; Has not been previously published as pathogenic or benign to our knowledge

NM_001267550.2(TTN):c.93323T>G (p.Ile31108Ser)

Genes: TTN (titin; minus strand), TTN-AS1 (TTN antisense RNA 1; plus strand). Cytogenetic location: 2q31.2.
Variant type: single nucleotide variant.
Coding change: c.93323T>G on transcript NM_001267550.2 (MANE Select); coding-DNA position 93323, T replaced by G.
Protein change: p.Ile31108Ser; replaces isoleucine 31108 with serine.
Molecular consequence: missense variant.
Genome position (GRCh38, 1-based): chr2:178,548,303, A>C on the plus strand (T>G on the coding strand, the complement: TTN is on the minus strand). VCF-style: chr2-178548303-A-C. GRCh37 (hg19) VCF-style: chr2-179413030-A-C.
Other names: c.88400T>G, p.Ile29467Ser (NM_001256850.1); c.66128T>G, p.Ile22043Ser (NM_003319.4); c.85619T>G, p.Ile28540Ser (NM_133378.4); c.66503T>G, p.Ile22168Ser (NM_133432.3); c.66704T>G, p.Ile22235Ser (NM_133437.4); short protein forms I22043S, I22168S, I22235S, I28540S, I29467S, I31108S.
Identifiers: ClinVar variation 4976015 (VCV004976015.1).
Genomic context (GRCh38, chr2:178,548,303, plus strand): 5'-GATTTGCTAGTATCAACAACATCAAGTCTCCTAGGTGGAGCAGGCTGTTCTGTGGCTACA[A>C]TTGGTTCTGGCATTTCATAGGGCTCACCAACACCATACTCATTTACTGCAGAAACACGGA-3'
Protein context (NP_001254479.2, residues 31098-31118): VGEPYEMPEP[Ile31108Ser]VATEQPAPPR